The following is an entry in ClinVar:

NM_001199799.2(ILDR1):c.1489C>G (p.Arg497Gly)

Gene: ILDR1 (immunoglobulin like domain containing receptor 1; minus strand). Cytogenetic location: 3q13.33.
Variant type: single nucleotide variant.
Coding change: c.1489C>G on transcript NM_001199799.2 (MANE Select); coding-DNA position 1489, C replaced by G.
Protein change: p.Arg497Gly; replaces arginine 497 with glycine.
Molecular consequence: missense variant.
Genome position (GRCh38, 1-based): chr3:121,993,260, G>C on the plus strand (C>G on the coding strand, the complement: ILDR1 is on the minus strand). VCF-style: chr3-121993260-G-C. GRCh37 (hg19) VCF-style: chr3-121712107-G-C.
Other names: c.1222C>G, p.Arg408Gly (NM_001199800.2); c.1357C>G, p.Arg453Gly (NM_175924.4); short protein forms R453G, R497G, R408G.
Identifiers: ClinVar variation 4996423 (VCV004996423.1).
Genomic context (GRCh38, chr3:121,993,260, plus strand): 5'-TATCAAGTGAGCGGTAGCTAGGCGGCTTCTCCTCGGGCCAGTGTGGGGAGTGCGAGCCGC[G>C]GCGGTGGGCCCGCCAGCTCTGGGGCTGCCTCTCCTTGTCCTCTTCAGAGCTCCAGGAACT-3'
Protein context (NP_001186728.1, residues 487-507): RQPQSWRAHR[Arg497Gly]GSHSPHWPEE

ClinVar aggregate classification (germline): Uncertain significance (1 of 4 stars; one submission).

Conditions:
ILDR1-related disorder. Also called: ILDR1-related condition.

Submission:

PreventionGenetics, part of Exact Sciences
Classification: Uncertain significance for ILDR1-related condition. Last evaluated: 2025-09-04. Review status: criteria provided, single submitter. Criteria: ACMG Guidelines, 2015. Collection method: clinical testing. Allele origin: germline.
Comment: The ILDR1 c.1489C>G variant is predicted to result in the amino acid substitution p.Arg497Gly. To our knowledge, this variant has not been reported in the literature or in a large population database (gnomAD), indicating this variant is rare. At this time, the clinical significance of this variant is uncertain due to the absence of conclusive functional and genetic evidence.